The following is an entry in ClinVar:

NM_001378452.1(ITPR1):c.1781C>T (p.Thr594Ile)

Gene: ITPR1 (inositol 1,4,5-trisphosphate receptor type 1; plus strand). Cytogenetic location: 3p26.1.
Variant type: single nucleotide variant.
Coding change: c.1781C>T on transcript NM_001378452.1 (MANE Select); coding-DNA position 1781, C replaced by T.
Protein change: p.Thr594Ile; replaces threonine 594 with isoleucine.
Molecular consequence: missense variant.
Genome position (GRCh38, 1-based): chr3:4,667,444, C>T. VCF-style: chr3-4667444-C-T. GRCh37 (hg19) VCF-style: chr3-4709128-C-T.
Other names: c.1781C>T, p.Thr594Ile (NM_001099952.4); c.1736C>T, p.Thr579Ile (NM_001168272.2, NM_002222.7); short protein forms T594I, T579I.
Identifiers: ClinVar variation 1386082 (VCV001386082.10), dbSNP rs2125201841, ClinGen allele CA351643002.

ClinVar aggregate classification (germline): Pathogenic. Review status: criteria provided, multiple submitters, no conflicts (2 of 4 stars). 3 submissions from 3 submitters: Pathogenic (3). Last evaluated 2025-07-25.

Conditions:
Spinocerebellar ataxia type 15/16 (SCA15). Also called: Spinocerebellar Ataxia Type 15. Identifiers: Orphanet 98769, MedGen C1847725, MONDO:0011694, OMIM 606658.

Submissions (3):

Plataforma de Genómica Funcional - SJD, Institut De Recerca Sant Joan De Déu
Classification: Pathogenic for Spinocerebellar ataxia type 15/16. Last evaluated: 2025-07-25. Review status: criteria provided, single submitter. Criteria: ACMG Guidelines, 2015. Collection method: clinical testing. Allele origin: de novo. Affected: yes.
Comment: The c.1781C>T variant (NM_001378452.1) in ITPR1 is a missense variant predicted to cause an amino acid change of Thr by Ile at position 594 in the protein sequence (p.(Thr594Ile)). This variant is also known as c.1736C>T (NM_001168272). This variant is absent from population databases (gnomAD v2.1; PM2_Supporting). The ITPR1 gene has a Z-score of 5.59 (gnomAD), which is above the threshold set by the ClinGen SVI guidelines (PP2). This variant has been observed as de novo in individuals with autosomal dominant spinocerebellar ataxia type (PMIDs: 33223419, 25794864, Internal lab contributor; PS2). The computational predictor REVEL and CADD unanimously support a deleterious effect on the gene (REVEL score: 0.88, CADD score: 56.4; PP3_Moderate). studies have shown that this variant affects ITPR1 protein function (PMID: 30429331; PS3). In summary, this variant meets the criteria to be classified as Pathogenic based on the ACMG/AMP criteria applied.

GeneDx
Classification: Pathogenic. Last evaluated: 2022-06-17. Review status: criteria provided, single submitter. Criteria: GeneDx Variant Classification Process June 2021. Collection method: clinical testing. Allele origin: germline. Affected: yes.
Comment: Published functional studies demonstrate a damaging effect resulting in channel activity disruption of IP3R1 by a dominant-negative effect without effect on IP3 binding (Ando et al., 2018); Not observed at significant frequency in large population cohorts (gnomAD); In silico analysis supports that this missense variant has a deleterious effect on protein structure/function; This variant is associated with the following publications: (PMID: 32637629, 27108798, 33223419, 30429331, 25794864)

Labcorp Genetics (formerly Invitae), Labcorp
Classification: Pathogenic. Last evaluated: 2020-12-22. Review status: criteria provided, single submitter. Criteria: Invitae Variant Classification Sherloc (09022015). Collection method: clinical testing. Allele origin: germline.
Comment: Experimental studies have shown that this variant affects ITPR1 protein function (PMID: 30429331). For these reasons, this variant has been classified as Pathogenic. This variant has been observed in individual(s) with autosomal dominant spinocerebellar ataxia type (PMID: 25794864). In at least one individual the variant was observed to be de novo. This variant is also known as T594I. This variant is not present in population databases (ExAC no frequency). This sequence change replaces threonine with isoleucine at codon 579 of the ITPR1 protein (p.Thr579Ile). The threonine residue is highly conserved and there is a moderate physicochemical difference between threonine and isoleucine.

Literature cited by the submitters: PubMed 33223419 (cited by Plataforma de Genómica Funcional - SJD, Institut De Recerca Sant Joan De Déu); PubMed 25794864 (cited by Plataforma de Genómica Funcional - SJD, Institut De Recerca Sant Joan De Déu and Labcorp Genetics (formerly Invitae), Labcorp); PubMed 30429331 (cited by Plataforma de Genómica Funcional - SJD, Institut De Recerca Sant Joan De Déu and Labcorp Genetics (formerly Invitae), Labcorp).